The following is an entry in ClinVar:

NM_207037.2(TCF12):c.2006G>A (p.Cys669Tyr)

Gene: TCF12 (transcription factor 12; plus strand). Cytogenetic location: 15q21.3.
Variant type: single nucleotide variant.
Coding change: c.2006G>A on transcript NM_207037.2 (MANE Select); coding-DNA position 2006, G replaced by A.
Protein change: p.Cys669Tyr; replaces cysteine 669 with tyrosine.
Molecular consequence: missense variant.
Genome position (GRCh38, 1-based): chr15:57,282,472, G>A. VCF-style: chr15-57282472-G-A. GRCh37 (hg19) VCF-style: chr15-57574670-G-A.
Other names: c.1226G>A, p.Cys409Tyr (NM_001306220.3); c.2006G>A, p.Cys669Tyr (NM_001322151.2, NM_001322159.3, NM_001322162.2 and 1 more transcripts); c.2003G>A, p.Cys668Tyr (NM_001322152.2, NM_001322161.2); c.1349G>A, p.Cys450Tyr (NM_001322154.2); c.1832G>A, p.Cys611Tyr (NM_001322156.2); c.1934G>A, p.Cys645Tyr (NM_001322157.3, NM_001322165.2, NM_003205.4 and 1 more transcripts); c.1760G>A, p.Cys587Tyr (NM_001322158.2); c.1496G>A, p.Cys499Tyr (NM_001306219.3); and 2 more; short protein forms C409Y, C475Y, C657Y, C450Y, C499Y, C587Y, C645Y, C668Y.
Identifiers: ClinVar variation 4632842 (VCV004632842.1).

ClinVar aggregate classification (germline): Uncertain significance (1 of 4 stars; one submission).

Conditions:
Inborn genetic diseases. Identifiers: MedGen C0950123, MeSH D030342.

Submission:

Ambry Genetics
Classification: Uncertain significance for Inborn genetic diseases. Last evaluated: 2025-10-24. Review status: criteria provided, single submitter. Criteria: Ambry Variant Classification Scheme 2023. Collection method: clinical testing. Allele origin: germline.
Comment: The c.2006G>A (p.C669Y) alteration is located in exon 20 (coding exon 19) of the TCF12 gene. This alteration results from a G to A substitution at nucleotide position 2006, causing the cysteine (C) at amino acid position 669 to be replaced by a tyrosine (Y). This variant was not reported in population-based cohorts in the Genome Aggregation Database (gnomAD). This amino acid position is highly conserved in available vertebrate species. This missense alteration is located in a region that has a low rate of benign missense variation (Lek, 2016; Firth, 2009). This alteration is predicted to be deleterious by in silico analysis. Based on insufficient or conflicting evidence, the clinical significance of this alteration remains unclear.